The following is an entry in ClinVar:

NM_000455.5(STK11):c.920+2_920+31del

Gene: STK11 (serine/threonine kinase 11; plus strand). Cytogenetic location: 19p13.3.
Variant type: Deletion.
Coding change: c.920+2_920+31del on transcript NM_000455.5 (MANE Select); the canonical splice donor site of the intron after coding-DNA position 920 through 31 bases into the intron after coding-DNA position 920, 30 bases deleted (TGAGCGGCCCCTGGGGGCAGTGGGGCCGAG).
Molecular consequence: splice donor variant.
Genome position (GRCh38, 1-based): chr19:1,222,008-1,222,037, TGAGCGGCCCCTGGGGGCAGTGGGGCCGAG deleted; deleting any 30 consecutive bases within chr19:1,222,007-1,222,037 gives the same sequence; the c. name uses the placement nearest the transcript's 3' end. VCF-style (leftmost placement, unchanged base first): chr19-1222006-GGTGAGCGGCCCCTGGGGGCAGTGGGGCCGA-G. GRCh37 (hg19) VCF-style: chr19-1222005-GGTGAGCGGCCCCTGGGGGCAGTGGGGCCGA-G.
Identifiers: ClinVar variation 1766182 (VCV001766182.2), dbSNP rs2512946804, ClinGen allele CA2580096130.

ClinVar aggregate classification (germline): Likely pathogenic (1 of 4 stars; one submission).

Conditions:
Hereditary cancer-predisposing syndrome. Also called: Neoplastic Syndromes, Hereditary; Tumor predisposition; Hereditary Cancer Syndrome; Hereditary neoplastic syndrome. Identifiers: Orphanet 140162, MedGen C0027672, MeSH D009386, MONDO:0015356.

Submission:

Ambry Genetics
Classification: Likely pathogenic for Hereditary cancer-predisposing syndrome. Last evaluated: 2018-03-15. Review status: criteria provided, single submitter. Criteria: Ambry Variant Classification Scheme 2023. Collection method: clinical testing. Allele origin: germline.
Comment: The c.920+2_920+31del30 intronic variant, located in intron 7 of the STK11 gene, results from a deletion of 30 nucleotides within intron 7 of the STK11 gene. This nucleotide region is somewhat conserved in available vertebrate species. Using the BDGP and ESEfinder splice site prediction tools, this alteration is predicted to abolish the native splice donor site; however, direct evidence is unavailable. Alterations that disrupt the canonical splice site are expected to cause aberrant splicing, resulting in an abnormal protein or a transcript that is subject to nonsense-mediated mRNA decay. As such, this alteration is classified as likely pathogenic.